The following is an entry in ClinVar:

ClinVar aggregate classification (germline): Likely pathogenic (1 of 4 stars; one submission).

Conditions:
Brunner syndrome (BRNRS). Identifiers: Orphanet 3057, MedGen C0796275, MONDO:0010379, OMIM 300615.

Submission:

Clinical Genomics Laboratory, Washington University in St. Louis
Classification: Likely pathogenic for Brunner syndrome. Last evaluated: 2024-10-14. Review status: criteria provided, single submitter. Criteria: ACMG Guidelines, 2015. Collection method: clinical testing. Allele origin: germline. Affected: yes.
Comment: The MAOA c.11_12del (p.Glu4Argfs*30) variant, to our knowledge, has not been reported in the medical literature and is absent from the general population (gnomAD v.2.1.1), indicating it is not a common variant. This variant causes a frameshift by deleting two nucleotides, leading to a premature termination codon, which is predicted to lead to nonsense mediated decay. Based on available information and the ACMG/AMP guidelines for variant interpretation (Richards S et al., PMID: 25741868), this variant is classified as likely pathogenic.

NM_000240.4(MAOA):c.11_12del (p.Gln4fs)

Gene: MAOA (monoamine oxidase A; plus strand). Cytogenetic location: Xp11.3.
Variant type: Deletion.
Coding change: c.11_12del on transcript NM_000240.4 (MANE Select); coding-DNA positions 11 to 12, 2 bases deleted (AA; older notation c.11_12delAA).
Protein change: p.Gln4fs; shifts the reading frame from glutamine 4.
Molecular consequence: frameshift variant. On other transcripts: 5 prime UTR variant (1).
Genome position (GRCh38, 1-based): chrX:43,656,352-43,656,353, AA deleted. VCF-style (leftmost placement, unchanged base first): chrX-43656351-CAA-C. GRCh37 (hg19) VCF-style: chrX-43515599-CAA-C.
Other names: c.-497_-496del (NM_001270458.2); short protein forms Q4fs.
Identifiers: ClinVar variation 3600474 (VCV003600474.1).
Genomic context (GRCh38, chrX:43,656,351, plus strand): 5'-TTTGCCGTCCCCACTCCTGTGCCTACGACCCAGGAGCGTGTCAGCCAAAGCATGGAGAAT[CAA>C]GAGAAGGCGAGTATCGCGGGCCACATGTTCGACGTAGTCGTGATCGGAGGTGGCATTTCA-3'